The following is an entry in ClinVar:

NM_000059.4(BRCA2):c.7205C>T (p.Pro2402Leu)

Gene: BRCA2 (BRCA2 DNA repair associated; plus strand). Cytogenetic location: 13q13.1.
Variant type: single nucleotide variant.
Coding change: c.7205C>T on transcript NM_000059.4 (MANE Select); coding-DNA position 7205, C replaced by T.
Protein change: p.Pro2402Leu; replaces proline 2402 with leucine.
Molecular consequence: missense variant.
Genome position (GRCh38, 1-based): chr13:32,355,058, C>T. VCF-style: chr13-32355058-C-T. GRCh37 (hg19) VCF-style: chr13-32929195-C-T.
Other names: c.7109C>T, p.Pro2370Leu (NM_001406719.1); c.7205C>T, p.Pro2402Leu (NM_001406720.1); c.2273C>T, p.Pro758Leu (NM_001406721.1); c.788C>T, p.Pro263Leu (NM_001406722.1); short protein forms P2370L, P2402L, P758L, P263L.
Identifiers: ClinVar variation 1757683 (VCV001757683.4), dbSNP rs1566240981, ClinGen allele CA387739924.
Genomic context (GRCh38, chr13:32,355,058, plus strand): 5'-TTTATCAAGTTTCTGCTACAAGAAATGAAAAAATGAGACACTTGATTACTACAGGCAGAC[C>T]AACCAAAGTCTTTGTTCCACCTTTTAAAACTAAATCACATTTTCACAGAGTTGAACAGTG-3'
Protein context (NP_000050.3, residues 2392-2412): KMRHLITTGR[Pro2402Leu]TKVFVPPFKT

ClinVar aggregate classification (germline): Uncertain significance. Review status: criteria provided, multiple submitters, no conflicts (2 of 4 stars). 2 submissions from 2 submitters: Uncertain significance (2). Last evaluated 2024-04-16.

Conditions:
Hereditary cancer-predisposing syndrome. Also called: Neoplastic Syndromes, Hereditary; Tumor predisposition; Hereditary Cancer Syndrome; Hereditary neoplastic syndrome. Identifiers: Orphanet 140162, MedGen C0027672, MeSH D009386, MONDO:0015356.
Hereditary breast ovarian cancer syndrome. Also called: Hereditary breast and/or ovarian cancer syndrome; Hereditary breast and ovarian cancer syndrome; Breast and ovarian cancer; Hereditary breast and ovarian cancer; BRCA1- and BRCA2-Associated Hereditary Breast and Ovarian Cancer; Hereditary breast and ovarian cancer syndrome (HBOC). Identifiers: Orphanet 145, MedGen C0677776, MeSH D061325, MONDO:0003582. Disease mechanism: loss of function.

Submissions (2):

Labcorp Genetics (formerly Invitae), Labcorp
Classification: Uncertain significance for Hereditary breast ovarian cancer syndrome. Last evaluated: 2024-04-16. Review status: criteria provided, single submitter. Criteria: Invitae Variant Classification Sherloc (09022015). Collection method: clinical testing. Allele origin: germline.
Comment: This sequence change replaces proline, which is neutral and non-polar, with leucine, which is neutral and non-polar, at codon 2402 of the BRCA2 protein (p.Pro2402Leu). This variant is not present in population databases (gnomAD no frequency). This variant has not been reported in the literature in individuals affected with BRCA2-related conditions. ClinVar contains an entry for this variant (Variation ID: 1757683). Advanced modeling of protein sequence and biophysical properties (such as structural, functional, and spatial information, amino acid conservation, physicochemical variation, residue mobility, and thermodynamic stability) performed at Invitae indicates that this missense variant is not expected to disrupt BRCA2 protein function with a negative predictive value of 95%. In summary, the available evidence is currently insufficient to determine the role of this variant in disease. Therefore, it has been classified as a Variant of Uncertain Significance.

Ambry Genetics
Classification: Uncertain significance for Hereditary cancer-predisposing syndrome. Last evaluated: 2020-02-19. Review status: criteria provided, single submitter. Criteria: Ambry Variant Classification Scheme 2023. Collection method: clinical testing. Allele origin: germline.
Comment: The p.P2402L variant (also known as c.7205C>T), located in coding exon 13 of the BRCA2 gene, results from a C to T substitution at nucleotide position 7205. The proline at codon 2402 is replaced by leucine, an amino acid with similar properties. This amino acid position is not well conserved in available vertebrate species. In addition, this alteration is predicted to be tolerated by in silico analysis. Since supporting evidence is limited at this time, the clinical significance of this alteration remains unclear.